The following is an entry in ClinVar:

ClinVar aggregate classification (germline): Uncertain significance (1 of 4 stars; one submission).

Submission:

GeneDx
Classification: Uncertain significance. Last evaluated: 2020-01-17. Review status: criteria provided, single submitter. Criteria: GeneDx Variant Classification Process June 2021. Collection method: clinical testing. Allele origin: germline. Affected: yes.
Comment: Not observed in large population cohorts (Lek et al., 2016); In silico analysis, which includes protein predictors and evolutionary conservation, supports that this variant does not alter protein structure/function; Has not been previously published as pathogenic or benign to our knowledge

NM_015559.3(SETBP1):c.1729C>A (p.Leu577Ile)

Gene: SETBP1 (SET binding protein 1; plus strand). Cytogenetic location: 18q12.3.
Variant type: single nucleotide variant.
Coding change: c.1729C>A on transcript NM_015559.3 (MANE Select); coding-DNA position 1729, C replaced by A.
Protein change: p.Leu577Ile; replaces leucine 577 with isoleucine.
Molecular consequence: missense variant.
Genome position (GRCh38, 1-based): chr18:44,951,069, C>A. VCF-style: chr18-44951069-C-A. GRCh37 (hg19) VCF-style: chr18-42531034-C-A.
Other names: c.1729C>A, p.Leu577Ile (NM_001379141.1, NM_001379142.1); short protein forms L577I.
Identifiers: ClinVar variation 1311293 (VCV001311293.2), dbSNP rs2145100304, ClinGen allele CA402319267.